The following is an entry in ClinVar:

ClinVar aggregate classification (germline): Uncertain significance (1 of 4 stars; one submission).

Submission:

Labcorp Genetics (formerly Invitae), Labcorp
Classification: Uncertain significance. Last evaluated: 2022-07-20. Review status: criteria provided, single submitter. Criteria: Invitae Variant Classification Sherloc (09022015). Collection method: clinical testing. Allele origin: germline.
Comment: This sequence change replaces isoleucine, which is neutral and non-polar, with threonine, which is neutral and polar, at codon 171 of the LZTFL1 protein (p.Ile171Thr). This variant is not present in population databases (gnomAD no frequency). This variant has not been reported in the literature in individuals affected with LZTFL1-related conditions. Algorithms developed to predict the effect of missense changes on protein structure and function output the following: SIFT: "Deleterious"; PolyPhen-2: "Benign"; Align-GVGD: "Class C0". The threonine amino acid residue is found in multiple mammalian species, which suggests that this missense change does not adversely affect protein function. In summary, the available evidence is currently insufficient to determine the role of this variant in disease. Therefore, it has been classified as a Variant of Uncertain Significance.

NM_020347.4(LZTFL1):c.512T>C (p.Ile171Thr)

Gene: LZTFL1 (leucine zipper transcription factor like 1; minus strand). Cytogenetic location: 3p21.31.
Variant type: single nucleotide variant.
Coding change: c.512T>C on transcript NM_020347.4 (MANE Select); coding-DNA position 512, T replaced by C.
Protein change: p.Ile171Thr; replaces isoleucine 171 with threonine.
Molecular consequence: missense variant. On other transcripts: non-coding transcript variant (1).
Genome position (GRCh38, 1-based): chr3:45,831,083, A>G on the plus strand (T>C on the coding strand, the complement: LZTFL1 is on the minus strand). VCF-style: chr3-45831083-A-G. GRCh37 (hg19) VCF-style: chr3-45872575-A-G.
Other names: c.461T>C, p.Ile154Thr (NM_001276378.2, NM_001386451.1, NM_001405922.1 and 4 more transcripts); c.500T>C, p.Ile167Thr (NM_001276379.2, NM_001405921.1); c.512T>C, p.Ile171Thr (NM_001386452.1); c.536T>C, p.Ile179Thr (NM_001405920.1, NM_001405925.1); short protein forms I154T, I167T, I171T, I179T.
Identifiers: ClinVar variation 1720869 (VCV001720869.5), dbSNP rs2529764384, ClinGen allele CA352450326.